The following is an entry in ClinVar:

NM_004273.5(CHST3):c.1291dup (p.Ser431fs)

Gene: CHST3 (carbohydrate sulfotransferase 3; plus strand). Cytogenetic location: 10q22.1.
Variant type: Duplication.
Coding change: c.1291dup on transcript NM_004273.5 (MANE Select); coding-DNA position 1291, one base duplicated (A; older notation c.1291dupA).
Protein change: p.Ser431fs; shifts the reading frame from serine 431.
Molecular consequence: frameshift variant.
Genome position (GRCh38, 1-based): chr10:72,008,322, A duplicated. VCF-style (leftmost placement, unchanged base first): chr10-72008321-C-CA. GRCh37 (hg19) VCF-style: chr10-73768079-C-CA.
Other names: short protein forms S431fs.
Identifiers: ClinVar variation 955770 (VCV000955770.10), dbSNP rs1840069879, ClinGen allele CA1139661474.

ClinVar aggregate classification (germline): Likely pathogenic. Review status: criteria provided, multiple submitters, no conflicts (2 of 4 stars). 2 submissions from 2 submitters: Likely pathogenic (2). Last evaluated 2023-07-20.

Conditions:
Spondyloepiphyseal dysplasia with congenital joint dislocations (SEDCJD). Also called: Chondrodysplasia with Congenital Joint Dislocations, CHST3-Related. Identifiers: Orphanet 263463, MedGen C1837657, MONDO:0007738, OMIM 143095.

Submissions (2):

GeneDx
Classification: Likely pathogenic. Last evaluated: 2023-07-20. Review status: criteria provided, single submitter. Criteria: GeneDx Variant Classification Process June 2021. Collection method: clinical testing. Allele origin: germline. Affected: yes.
Comment: Frameshift variant predicted to result in protein truncation as the last 49 amino acids are replaced with 80 different amino acids, although loss-of-function variants have not been reported downstream of this position in the protein; Not observed at significant frequency in large population cohorts (gnomAD); This variant is associated with the following publications: (PMID: 29453417)

Labcorp Genetics (formerly Invitae), Labcorp
Classification: Likely pathogenic for Spondyloepiphyseal dysplasia with congenital joint dislocations. Last evaluated: 2019-08-21. Review status: criteria provided, single submitter. Criteria: Invitae Variant Classification Sherloc (09022015). Collection method: clinical testing. Allele origin: germline.
Comment: This sequence change results in a frameshift in the CHST3 gene (p.Ser431Lysfs*81). While this is not anticipated to result in nonsense mediated decay, it is expected to disrupt the last 49 amino acids of the CHST3 protein and extend the protein by an additional 31 amino acids. This variant is not present in population databases (ExAC no frequency). This variant has been observed in individuals with clinical features of spondyloepiphyseal dysplasia (PMID: 29453417, Invitae). This variant disrupts a region of the protein in which other variant(s) (p.Ala456Glu) have been observed in individuals with CHST3-related conditions (PMID: 26402641). This suggests that this may be a clinically significant region of the CHST3 protein. In summary, the currently available evidence indicates that the variant is pathogenic, but additional data are needed to prove that conclusively. Therefore, this variant has been classified as Likely Pathogenic.

Literature cited by the submitters: PubMed 29453417 (cited by Labcorp Genetics (formerly Invitae), Labcorp); PubMed 26402641 (cited by Labcorp Genetics (formerly Invitae), Labcorp).